The following is an entry in ClinVar:

ClinVar aggregate classification (germline): Uncertain significance. Review status: criteria provided, multiple submitters, no conflicts (2 of 4 stars). 2 submissions from 2 submitters: Uncertain significance (2). Last evaluated 2024-02-28.

Submissions (2):

Ambry Genetics
Classification: Uncertain significance. Last evaluated: 2024-02-28. Review status: criteria provided, single submitter. Criteria: Ambry Variant Classification Scheme 2023. Collection method: clinical testing. Allele origin: germline.

Labcorp Genetics (formerly Invitae), Labcorp
Classification: Uncertain significance. Last evaluated: 2023-03-08. Review status: criteria provided, single submitter. Criteria: Invitae Variant Classification Sherloc (09022015). Collection method: clinical testing. Allele origin: germline.
Comment: This sequence change replaces histidine, which is basic and polar, with arginine, which is basic and polar, at codon 471 of the ADGRE2 protein (p.His471Arg). This variant is not present in population databases (gnomAD no frequency). This variant has not been reported in the literature in individuals affected with ADGRE2-related conditions. An algorithm developed to predict the effect of missense changes on protein structure and function (PolyPhen-2) suggests that this variant is likely to be disruptive. In summary, the available evidence is currently insufficient to determine the role of this variant in disease. Therefore, it has been classified as a Variant of Uncertain Significance.

NM_013447.4(ADGRE2):c.1412A>G (p.His471Arg)

Gene: ADGRE2 (adhesion G protein-coupled receptor E2; minus strand). Cytogenetic location: 19p13.12.
Variant type: single nucleotide variant.
Coding change: c.1412A>G on transcript NM_013447.4 (MANE Select); coding-DNA position 1412, A replaced by G.
Protein change: p.His471Arg; replaces histidine 471 with arginine.
Molecular consequence: missense variant.
Genome position (GRCh38, 1-based): chr19:14,755,658, T>C on the plus strand (A>G on the coding strand, the complement: ADGRE2 is on the minus strand). VCF-style: chr19-14755658-T-C. GRCh37 (hg19) VCF-style: chr19-14866470-T-C.
Other names: c.1412A>G, p.His471Arg (NM_001271052.1); c.1265A>G, p.His422Arg (NM_152916.2); c.1133A>G, p.His378Arg (NM_152917.2); c.1412A>G (NM_013447.2); short protein forms H378R, H471R, H422R.
Identifiers: ClinVar variation 2790374 (VCV002790374.4), dbSNP rs2513096077, ClinGen allele CA404455096.